The following is an entry in ClinVar:

ClinVar aggregate classification (germline): Uncertain significance (1 of 4 stars; one submission).

Submission:

Labcorp Genetics (formerly Invitae), Labcorp
Classification: Uncertain significance. Last evaluated: 2022-05-19. Review status: criteria provided, single submitter. Criteria: Invitae Variant Classification Sherloc (09022015). Collection method: clinical testing. Allele origin: germline.
Comment: This sequence change replaces histidine, which is basic and polar, with asparagine, which is neutral and polar, at codon 1368 of the VPS13A protein (p.His1368Asn). This variant is not present in population databases (gnomAD no frequency). This variant has not been reported in the literature in individuals affected with VPS13A-related conditions. Algorithms developed to predict the effect of missense changes on protein structure and function (SIFT, PolyPhen-2, Align-GVGD) all suggest that this variant is likely to be tolerated. In summary, the available evidence is currently insufficient to determine the role of this variant in disease. Therefore, it has been classified as a Variant of Uncertain Significance.

NM_033305.3(VPS13A):c.4102C>A (p.His1368Asn)

Gene: VPS13A (vacuolar protein sorting 13 homolog A; plus strand). Cytogenetic location: 9q21.2.
Variant type: single nucleotide variant.
Coding change: c.4102C>A on transcript NM_033305.3 (MANE Select); coding-DNA position 4102, C replaced by A.
Protein change: p.His1368Asn; replaces histidine 1368 with asparagine.
Molecular consequence: missense variant.
Genome position (GRCh38, 1-based): chr9:77,308,086, C>A. VCF-style: chr9-77308086-C-A. GRCh37 (hg19) VCF-style: chr9-79923002-C-A.
Other names: c.3985C>A, p.His1329Asn (NM_001018037.2); c.4102C>A, p.His1368Asn (NM_001018038.3, NM_015186.4); short protein forms H1329N, H1368N.
Identifiers: ClinVar variation 1961444 (VCV001961444.2), dbSNP rs1239921684, ClinGen allele CA373853768.